The following is an entry in ClinVar:

NM_000059.4(BRCA2):c.9184G>C (p.Asp3062His)

Gene: BRCA2 (BRCA2 DNA repair associated; plus strand). Cytogenetic location: 13q13.1.
Variant type: single nucleotide variant.
Coding change: c.9184G>C on transcript NM_000059.4 (MANE Select); coding-DNA position 9184, G replaced by C.
Protein change: p.Asp3062His; replaces aspartic acid 3062 with histidine.
Molecular consequence: missense variant. On other transcripts: non-coding transcript variant (1).
Genome position (GRCh38, 1-based): chr13:32,380,073, G>C. VCF-style: chr13-32380073-G-C. GRCh37 (hg19) VCF-style: chr13-32954210-G-C.
Other names: c.9088G>C, p.Asp3030His (NM_001406719.1); c.9133G>C, p.Asp3045His (NM_001406720.1); c.4252G>C, p.Asp1418His (NM_001406721.1); c.2767G>C, p.Asp923His (NM_001406722.1); short protein forms D3045H, D923H, D3030H, D3062H, D1418H.
Identifiers: ClinVar variation 2815561 (VCV002815561.3), dbSNP rs1566253579, ClinGen allele CA387758094.
Genomic context (GRCh38, chr13:32,380,073, plus strand): 5'-GATGAAATTTTATTTCAGATTTACCAGCCACGGGAGCCCCTTCACTTCAGCAAATTTTTA[G>C]ATCCAGACTTTCAGCCATCTTGTTCTGAGGTGGACCTAATAGGATTTGTCGTTTCTGTTG-3'
Protein context (NP_000050.3, residues 3052-3072): REPLHFSKFL[Asp3062His]PDFQPSCSEV

ClinVar aggregate classification (germline): Uncertain significance (1 of 4 stars; one submission).

Conditions:
Hereditary breast ovarian cancer syndrome. Also called: Hereditary breast and ovarian cancer; BRCA1- and BRCA2-Associated Hereditary Breast and Ovarian Cancer; Hereditary breast and ovarian cancer syndrome; Breast and ovarian cancer; Hereditary breast and ovarian cancer syndrome (HBOC); Hereditary breast and/or ovarian cancer syndrome. Identifiers: Orphanet 145, MedGen C0677776, MeSH D061325, MONDO:0003582. Disease mechanism: loss of function.

Submission:

Labcorp Genetics (formerly Invitae), Labcorp
Classification: Uncertain significance for Hereditary breast ovarian cancer syndrome. Last evaluated: 2022-11-22. Review status: criteria provided, single submitter. Criteria: Invitae Variant Classification Sherloc (09022015). Collection method: clinical testing. Allele origin: germline.
Comment: Advanced modeling of protein sequence and biophysical properties (such as structural, functional, and spatial information, amino acid conservation, physicochemical variation, residue mobility, and thermodynamic stability) performed at Invitae indicates that this missense variant is not expected to disrupt BRCA2 protein function. This sequence change replaces aspartic acid, which is acidic and polar, with histidine, which is basic and polar, at codon 3062 of the BRCA2 protein (p.Asp3062His). This variant is not present in population databases (gnomAD no frequency). This variant has not been reported in the literature in individuals affected with BRCA2-related conditions. In summary, the available evidence is currently insufficient to determine the role of this variant in disease. Therefore, it has been classified as a Variant of Uncertain Significance.